The following is an entry in ClinVar:

NM_001330078.2(NRXN1):c.302C>G (p.Ala101Gly)

Gene: NRXN1 (neurexin 1; minus strand). Cytogenetic location: 2p16.3.
Variant type: single nucleotide variant.
Coding change: c.302C>G on transcript NM_001330078.2 (MANE Select); coding-DNA position 302, C replaced by G.
Protein change: p.Ala101Gly; replaces alanine 101 with glycine.
Molecular consequence: missense variant.
Genome position (GRCh38, 1-based): chr2:51,027,972, G>C on the plus strand (C>G on the coding strand, the complement: NRXN1 is on the minus strand). VCF-style: chr2-51027972-G-C. GRCh37 (hg19) VCF-style: chr2-51255110-G-C.
Other names: p.A101G:GCG>GGG; c.302C>G, p.Ala101Gly (NM_001135659.3, NM_001330077.2, NM_001330079.2 and 15 more transcripts); short protein forms A101G.
Identifiers: ClinVar variation 206227 (VCV000206227.19), dbSNP rs200184823, ClinGen allele CA316103.

ClinVar aggregate classification (germline): Uncertain significance. Review status: criteria provided, multiple submitters, no conflicts (2 of 4 stars). 4 submissions from 4 submitters: Uncertain significance (4). Last evaluated 2025-12-19.

Conditions:
Inborn genetic diseases. Identifiers: MedGen C0950123, MeSH D030342.
Pitt-Hopkins-like syndrome 2 (PTHSL2). Identifiers: Orphanet 221150, Orphanet 600663, MedGen C3280479, MONDO:0013690, OMIM 614325.
Chromosome 2p16.3 deletion syndrome. Identifiers: MedGen C3808494, MONDO:0013696, OMIM 614332.
Complex neurodevelopmental disorder. Identifiers: Orphanet 528084, MedGen C5568766, MONDO:0100038.

Allele frequency attached by ClinVar (database versions not stated): TOPMed 0.00014; 1000 Genomes Project 30x 0.00016; ESP Exome Variant Server 0.00016; gnomAD 0.00019; 1000 Genomes Project 0.00020; gnomAD exomes 0.00027; ExAC 0.00035.
gnomAD v4.1: 339 of 1,601,688 alleles (0.021%); highest among the groups gnomAD compares: Non-Finnish European, 0.024%; no homozygotes.

Submissions (4):

Labcorp Genetics (formerly Invitae), Labcorp
Classification: Uncertain significance for Pitt-Hopkins-like syndrome 2. Last evaluated: 2025-12-19. Review status: criteria provided, single submitter. Criteria: Invitae Variant Classification Sherloc (09022015). Collection method: clinical testing. Allele origin: germline.
Comment: This sequence change replaces alanine, which is neutral and non-polar, with glycine, which is neutral and non-polar, at codon 101 of the NRXN1 protein (p.Ala101Gly). This variant is present in population databases (rs200184823, gnomAD 0.09%). This variant has not been reported in the literature in individuals affected with NRXN1-related conditions. ClinVar contains an entry for this variant (Variation ID: 206227). An algorithm developed to predict the effect of missense changes on protein structure and function (PolyPhen-2) suggests that this variant is likely to be disruptive. In summary, the available evidence is currently insufficient to determine the role of this variant in disease. Therefore, it has been classified as a Variant of Uncertain Significance.

GeneDx
Classification: Uncertain significance. Last evaluated: 2024-07-03. Review status: criteria provided, single submitter. Criteria: GeneDx Variant Classification Process June 2021. Collection method: clinical testing. Allele origin: germline. Affected: yes.
Comment: In silico analysis supports that this missense variant has a deleterious effect on protein structure/function; Missense variant in a gene in which most reported pathogenic variants are truncating/loss of function; Has not been previously published as pathogenic or benign to our knowledge

Fulgent Genetics
Classification: Uncertain significance for Pitt-Hopkins-like syndrome 2; Chromosome 2p16.3 deletion syndrome. Last evaluated: 2018-10-31. Review status: criteria provided, single submitter. Criteria: ACMG Guidelines, 2015. Collection method: clinical testing. Allele origin: unknown.

Ambry Genetics
Classification: Uncertain significance for Inborn genetic diseases. Last evaluated: 2018-04-05. Review status: criteria provided, single submitter. Criteria: Ambry Variant Classification Scheme 2023. Collection method: clinical testing. Allele origin: germline.
Comment: The p.A101G variant (also known as c.302C>G), located in coding exon 1 of the NRXN1 gene, results from a C to G substitution at nucleotide position 302. The alanine at codon 101 is replaced by glycine, an amino acid with similar properties. This amino acid position is highly conserved in available vertebrate species. In addition, this alteration is predicted to be deleterious by in silico analysis. Since supporting evidence is limited at this time, the clinical significance of this variant remains unclear.